The following is an entry in ClinVar:

ClinVar aggregate classification (germline): Uncertain significance (1 of 4 stars; one submission).

Conditions:
Oculoauricular syndrome (OCACS). Also called: SCHORDERET-MUNIER-FRANCESCHETTI SYNDROME; MICROPHTHALMIA, MICROCORNEA, ANTERIOR SEGMENT DYSGENESIS, CATARACT, OCULAR COLOBOMA, RETINAL PIGMENT EPITHELIUM ABNORMALITIES, ROD-CONE DYSTROPHY, AND ANOMALIES OF THE EXTERNAL EAR. Identifiers: Orphanet 157962, MedGen C2677500, MONDO:0012802, OMIM 612109.

Submission:

OLLIN Analises Genomicas, OLLIN
Classification: Uncertain significance for Oculoauricular syndrome. Last evaluated: 2026-08-06. Review status: criteria provided, single submitter. Criteria: ACMG Guidelines 2015 PMID 25741868. Collection method: clinical testing. Allele origin: germline. Inheritance: Autosomal recessive inheritance.
Comment: This frameshift variant, located in exon 2 (of 2), is absent from gnomAD and ClinVar and has not been identified in the literature. This variant causes a frameshift and introduces a premature stop codon, which is predicted to result in either a truncated protein or degradation of the mRNA via nonsense-mediated decay (NMD). According to the currently available evidence, this variant has been classified as uncertain significance (PVS1_M, PM2_P).

NM_018942.3(HMX1):c.644_645delinsAATCCACCTGGA (p.Val215fs)

Gene: HMX1 (H6 family homeobox 1; minus strand). Cytogenetic location: 4p16.1.
Variant type: Indel.
Coding change: c.644_645delinsAATCCACCTGGA on transcript NM_018942.3 (MANE Select); coding-DNA positions 644 to 645, TC replaced by AATCCACCTGGA.
Protein change: p.Val215fs; shifts the reading frame from valine 215.
Molecular consequence: frameshift variant. On other transcripts: intron variant (1).
Genome position (GRCh38, 1-based): chr4:8,868,095-8,868,096, GA replaced by TCCAGGTGGATT on the plus strand (TC replaced by AATCCACCTGGA on the coding strand, the reverse complement: HMX1 is on the minus strand). VCF-style: chr4-8868095-GA-TCCAGGTGGATT. GRCh37 (hg19) VCF-style: chr4-8869821-GA-TCCAGGTGGATT.
Other names: c.394+3125_394+3126delinsAATCCACCTGGA (NM_001306142.2); short protein forms V215fs.
Identifiers: ClinVar variation 5002670 (VCV005002670.1).